The following is an entry in ClinVar:

ClinVar aggregate classification (germline): Likely pathogenic (1 of 4 stars; one submission).

Conditions:
CFAP44-related disorder. Also called: CFAP44-related condition.

Submission:

PreventionGenetics, part of Exact Sciences
Classification: Likely pathogenic for CFAP44-related condition. Last evaluated: 2024-12-20. Review status: criteria provided, single submitter. Criteria: ACMG Guidelines, 2015. Collection method: clinical testing. Allele origin: germline.
Comment: The CFAP44 c.3621delT variant is predicted to result in a frameshift and premature protein termination (p.His1207Glnfs*7). To our knowledge, this variant has not been reported in the literature or in a large population database, indicating this variant is rare. Frameshift variants in CFAP44 are expected to be pathogenic. This variant is interpreted as likely pathogenic.

NM_001164496.2(CFAP44):c.3621del (p.His1207fs)

Genes: CFAP44 (cilia and flagella associated protein 44; minus strand), SPICE1-CFAP44 (SPICE1-CFAP44 readthrough (NMD candidate); minus strand). Cytogenetic location: 3q13.2.
Variant type: Deletion.
Coding change: c.3621del on transcript NM_001164496.2 (MANE Select); coding-DNA position 3621, one base deleted (T; older notation c.3621delT).
Protein change: p.His1207fs; shifts the reading frame from histidine 1207.
Molecular consequence: frameshift variant. On other transcripts: non-coding transcript variant (6).
Genome position (GRCh38, 1-based): chr3:113,330,663, A deleted on the plus strand (T on the coding strand, the reverse complement: CFAP44 is on the minus strand). VCF-style (leftmost placement, unchanged base first): chr3-113330662-CA-C. GRCh37 (hg19) VCF-style: chr3-113049509-CA-C.
Other names: short protein forms H1207fs.
Identifiers: ClinVar variation 4988307 (VCV004988307.1).
Genomic context (GRCh38, chr3:113,330,662, plus strand): 5'-CAACAGCCACTTTAAGGTCTCTAAGAGAGAGAATGCACTTGTTCATGTGCCTTTTATTTC[CA>C]TGGACCTGAAAAAAAGAAGAGGAAGGAAACAACAGTACAACCCTCTGACAAATAACTGTA-3'